The following is an entry in ClinVar:

NM_003863.4(DPM2):c.-11C>G

Genes: DPM2 (dolichyl-phosphate mannosyltransferase subunit 2, regulatory; minus strand), LOC130002675 (ATAC-STARR-seq lymphoblastoid active region 29062; plus strand). Cytogenetic location: 9q34.11.
Variant type: single nucleotide variant.
Coding change: c.-11C>G on transcript NM_003863.4 (MANE Select); 11 bases upstream of the start codon, C replaced by G.
Molecular consequence: 5 prime UTR variant. On other transcripts: non-coding transcript variant (2).
Genome position (GRCh38, 1-based): chr9:127,937,831, G>C on the plus strand (C>G on the coding strand, the complement: DPM2 is on the minus strand). VCF-style: chr9-127937831-G-C. GRCh37 (hg19) VCF-style: chr9-130700110-G-C.
Other names: c.-11C>G (NM_001378436.1, NM_001378437.1).
Identifiers: ClinVar variation 385714 (VCV000385714.1), dbSNP rs146637437, ClinGen allele CA5254778.

ClinVar aggregate classification (germline): Likely benign (1 of 4 stars; one submission).

gnomAD v4.1: 6 of 1,598,960 alleles (0.00038%); highest among the groups gnomAD compares: Admixed American, 0.0051%; no homozygotes.

Submission:

GeneDx
Classification: Likely benign. Last evaluated: 2016-05-16. Review status: criteria provided, single submitter. Criteria: GeneDx Variant Classification (06012015). Collection method: clinical testing. Allele origin: germline. Affected: yes.
Comment: This variant is considered likely benign or benign based on one or more of the following criteria: it is a conservative change, it occurs at a poorly conserved position in the protein, it is predicted to be benign by multiple in silico algorithms, and/or has population frequency not consistent with disease.